The following is an entry in ClinVar:

ClinVar aggregate classification (germline): Uncertain significance. Review status: criteria provided, multiple submitters, no conflicts (2 of 4 stars). 2 submissions from 2 submitters: Uncertain significance (2). Last evaluated 2024-12-10.

Allele frequency attached by ClinVar (database versions not stated): gnomAD 0.00003; TOPMed 0.00004; 1000 Genomes Project 30x 0.00016; 1000 Genomes Project 0.00020.
gnomAD v4.1: 78 of 1,542,404 alleles (0.0051%); highest among the groups gnomAD compares: Middle Eastern, 0.12%; 1 homozygote.

Submissions (2):

GeneDx
Classification: Uncertain significance. Last evaluated: 2024-12-10. Review status: criteria provided, single submitter. Criteria: GeneDx Variant Classification Process June 2021. Collection method: clinical testing. Allele origin: germline. Affected: yes.
Comment: In silico analysis supports that this missense variant has a deleterious effect on protein structure/function; Has not been previously published as pathogenic or benign to our knowledge

Blueprint Genetics
Classification: Uncertain significance. Last evaluated: 2023-12-11. Review status: criteria provided, single submitter. Criteria: ACMG Guidelines, 2015. Collection method: clinical testing. Allele origin: germline.

NM_001292063.2(OTOG):c.2176C>T (p.Arg726Cys)

Gene: OTOG (otogelin; plus strand). Cytogenetic location: 11p15.1.
Variant type: single nucleotide variant.
Coding change: c.2176C>T on transcript NM_001292063.2 (MANE Select); coding-DNA position 2176, C replaced by T.
Protein change: p.Arg726Cys; replaces arginine 726 with cysteine.
Molecular consequence: missense variant.
Genome position (GRCh38, 1-based): chr11:17,573,173, C>T. VCF-style: chr11-17573173-C-T. GRCh37 (hg19) VCF-style: chr11-17594720-C-T.
Other names: c.2212C>T, p.Arg738Cys (NM_001277269.2); short protein forms R726C, R738C.
Identifiers: ClinVar variation 2506643 (VCV002506643.4), dbSNP rs541824893, ClinGen allele CA218451661.